The following is an entry in ClinVar:

ClinVar aggregate classification (germline): Uncertain significance (1 of 4 stars; one submission).

Conditions:
Thrombomodulin-related bleeding disorder (THPH12). Also called: Thrombophilia due to thrombomodulin defect. Identifiers: Orphanet 436169, MedGen C3280976, MONDO:0013775, OMIM 614486.

Submission:

Genomenon, Inc
Classification: Uncertain significance for Thrombomodulin-related bleeding disorder. Last evaluated: 2025-09-22. Review status: criteria provided, single submitter. Criteria: Genomenon Sequence Variant Interpretation Standards - Updated. Collection method: curation. Allele origin: germline. Affected: no.
Comment: THBD p.Arg474Gly (c.1420C>G) is a missense variant that changes the amino acid at residue 474 from Arginine to Glycine. This variant has been reported in the published literature (PMID:10336638;27459702;8940162;8743727;22729286;26953841;9045633;27928886). It is absent or not present at a significant frequency in gnomAD. In silico models agree that this variant is not damaging. In conclusion, we classify THBD p.Arg474Gly (c.1420C>G) as a variant of unknown significance.

Literature cited by the submitters: PubMed 10336638; PubMed 27459702; PubMed 8940162; PubMed 8743727; PubMed 22729286; PubMed 26953841; PubMed 9045633; PubMed 27928886.

NM_000361.3(THBD):c.1420C>G (p.Arg474Gly)

Gene: THBD (thrombomodulin; minus strand). Cytogenetic location: 20p11.21.
Variant type: single nucleotide variant.
Coding change: c.1420C>G on transcript NM_000361.3 (MANE Select); coding-DNA position 1420, C replaced by G.
Protein change: p.Arg474Gly; replaces arginine 474 with glycine.
Molecular consequence: missense variant.
Genome position (GRCh38, 1-based): chr20:23,048,085, G>C on the plus strand (C>G on the coding strand, the complement: THBD is on the minus strand). VCF-style: chr20-23048085-G-C. GRCh37 (hg19) VCF-style: chr20-23028722-G-C.
Other names: short protein forms R474G.
Identifiers: ClinVar variation 4280591 (VCV004280591.1).
Genomic context (GRCh38, chr20:23,048,085, plus strand): 5'-CGCCAGAGCCGCTGTCGCCACCGTCCACCTTGCCGGAGTCACAGTCGGTGCCAATGTGGC[G>C]GGCAAGGGCCGAGTCGGGCCCGCAGATGCACTCGAAGGTACCGGGGAGGTTGTGGCACAC-3'
Protein context (NP_000352.1, residues 464-484): CICGPDSALA[Arg474Gly]HIGTDCDSGK